The following is an entry in ClinVar:

ClinVar aggregate classification (germline): Uncertain significance. Review status: criteria provided, multiple submitters, no conflicts (2 of 4 stars). 2 submissions from 2 submitters: Uncertain significance (2). Last evaluated 2025-08-26.

Conditions:
Tumor predisposition syndrome 3 (TPDS3). Also called: LONG TELOMERE SYNDROME, POT1-RELATED; POT1 Tumor Predisposition; Melanoma, cutaneous malignant, susceptibility to, 10; Glioma susceptibility 9. Identifiers: Orphanet 618, MedGen C4014476, MONDO:0014368, OMIM 615848.
Hereditary cancer-predisposing syndrome. Also called: Tumor predisposition; Hereditary neoplastic syndrome; Hereditary Cancer Syndrome; Neoplastic Syndromes, Hereditary. Identifiers: Orphanet 140162, MedGen C0027672, MeSH D009386, MONDO:0015356.

Allele frequency attached by ClinVar (database versions not stated): gnomAD exomes below 0.00001; TOPMed below 0.00001.
gnomAD v4.1: 1 of 1,611,884 alleles (0.000062%); highest among the groups gnomAD compares: Non-Finnish European, 0.000085%; no homozygotes.

Submissions (2):

Labcorp Genetics (formerly Invitae), Labcorp
Classification: Uncertain significance for Tumor predisposition syndrome 3. Last evaluated: 2025-08-26. Review status: criteria provided, single submitter. Criteria: Invitae Variant Classification Sherloc (09022015). Collection method: clinical testing. Allele origin: germline.
Comment: This sequence change replaces aspartic acid, which is acidic and polar, with valine, which is neutral and non-polar, at codon 304 of the POT1 protein (p.Asp304Val). This variant is not present in population databases (gnomAD no frequency). This variant has not been reported in the literature in individuals affected with POT1-related conditions. ClinVar contains an entry for this variant (Variation ID: 2852083). Invitae Evidence Modeling of protein sequence and biophysical properties (such as structural, functional, and spatial information, amino acid conservation, physicochemical variation, residue mobility, and thermodynamic stability) indicates that this missense variant is not expected to disrupt POT1 protein function with a negative predictive value of 80%. In summary, the available evidence is currently insufficient to determine the role of this variant in disease. Therefore, it has been classified as a Variant of Uncertain Significance.

Ambry Genetics
Classification: Uncertain significance for Hereditary cancer-predisposing syndrome. Last evaluated: 2024-06-24. Review status: criteria provided, single submitter. Criteria: Ambry Variant Classification Scheme 2023. Collection method: clinical testing. Allele origin: germline.
Comment: The p.D304V variant (also known as c.911A>T), located in coding exon 7 of the POT1 gene, results from an A to T substitution at nucleotide position 911. The aspartic acid at codon 304 is replaced by valine, an amino acid with highly dissimilar properties. This amino acid position is conserved. In addition, this alteration is predicted to be tolerated by in silico analysis. Based on the available evidence, the clinical significance of this variant remains unclear.

NM_015450.3(POT1):c.911A>T (p.Asp304Val)

Gene: POT1 (protection of telomeres 1; minus strand). Cytogenetic location: 7q31.33.
Variant type: single nucleotide variant.
Coding change: c.911A>T on transcript NM_015450.3 (MANE Select); coding-DNA position 911, A replaced by T.
Protein change: p.Asp304Val; replaces aspartic acid 304 with valine.
Molecular consequence: missense variant. On other transcripts: non-coding transcript variant (3).
Genome position (GRCh38, 1-based): chr7:124,851,910, T>A on the plus strand (A>T on the coding strand, the complement: POT1 is on the minus strand). VCF-style: chr7-124851910-T-A. GRCh37 (hg19) VCF-style: chr7-124491964-T-A.
Other names: c.518A>T, p.Asp173Val (NM_001042594.2); c.911A>T (NM_015450.2); short protein forms D173V, D304V.
Identifiers: ClinVar variation 2852083 (VCV002852083.4), dbSNP rs1276398593, ClinGen allele CA369054381.